The following is an entry in ClinVar:

ClinVar aggregate classification (germline): Uncertain significance (1 of 4 stars; one submission).

Conditions:
Tatton-Brown-Rahman overgrowth syndrome. Also called: Tall stature-intellectual disability-facial dysmorphism syndrome; Tatton-Brown-Rahman syndrome. Identifiers: Orphanet 404443, MedGen C4014545, MONDO:0014382, OMIM 615879.

Submission:

Labcorp Genetics (formerly Invitae), Labcorp
Classification: Uncertain significance for Tatton-Brown-rahman syndrome. Last evaluated: 2018-08-17. Review status: criteria provided, single submitter. Criteria: Invitae Variant Classification Sherloc (09022015). Collection method: clinical testing. Allele origin: germline.
Comment: This sequence change replaces cysteine with serine at codon 497 of the DNMT3A protein (p.Cys497Ser). The cysteine residue is highly conserved and there is a moderate physicochemical difference between cysteine and serine. This variant is not present in population databases (ExAC no frequency). This variant has not been reported in the literature in individuals with DNMT3A-related disease. Algorithms developed to predict the effect of missense changes on protein structure and function are either unavailable or do not agree on the potential impact of this missense change (SIFT: "Deleterious"; PolyPhen-2: "Probably Damaging"; Align-GVGD: "Class C0"). In summary, the available evidence is currently insufficient to determine the role of this variant in disease. Therefore, it has been classified as a Variant of Uncertain Significance.

NM_022552.5(DNMT3A):c.1490G>C (p.Cys497Ser)

Gene: DNMT3A (DNA methyltransferase 3 alpha; minus strand). Cytogenetic location: 2p23.3.
Variant type: single nucleotide variant.
Coding change: c.1490G>C on transcript NM_022552.5 (MANE Select); coding-DNA position 1490, G replaced by C.
Protein change: p.Cys497Ser; replaces cysteine 497 with serine.
Molecular consequence: missense variant. On other transcripts: non-coding transcript variant (1).
Genome position (GRCh38, 1-based): chr2:25,245,317, C>G on the plus strand (G>C on the coding strand, the complement: DNMT3A is on the minus strand). VCF-style: chr2-25245317-C-G. GRCh37 (hg19) VCF-style: chr2-25468186-C-G.
Other names: c.1034G>C, p.Cys345Ser (NM_001320893.1); c.821G>C, p.Cys274Ser (NM_001375819.1); c.923G>C, p.Cys308Ser (NM_153759.3); c.1490G>C, p.Cys497Ser (NM_175629.2); short protein forms C345S, C497S, C308S, C274S.
Identifiers: ClinVar variation 659100 (VCV000659100.1), dbSNP rs779323387, ClinGen allele CA346072464.